The following is an entry in ClinVar:

ClinVar aggregate classification (germline): Uncertain significance. Review status: criteria provided, single submitter (1 of 4 stars). 2 submissions from 2 submitters: Uncertain significance (1). 1 of the submissions does not count toward it. Last evaluated 2024-07-23.

Conditions:
Osteogenesis imperfecta (OI). Identifiers: Orphanet 666, MedGen C0029434, MeSH D010013, MONDO:0019019.
Osteogenesis imperfecta type I (OI1). Also called: OI, TYPE I; OSTEOGENESIS IMPERFECTA TARDA; OSTEOGENESIS IMPERFECTA WITH BLUE SCLERAE; Lobstein disease; Osteogenesis imperfecta type 1; Lobstein's Disease. Identifiers: Orphanet 216796, Orphanet 666, MedGen C0023931, MONDO:0008146, OMIM 166200. Disease mechanism: loss of function.

Submissions (2):

Labcorp Genetics (formerly Invitae), Labcorp
Classification: Uncertain significance for Osteogenesis imperfecta type I. Last evaluated: 2024-07-23. Review status: criteria provided, single submitter. Criteria: Invitae Variant Classification Sherloc (09022015). Collection method: clinical testing. Allele origin: germline.
Comment: This sequence change replaces glycine, which is neutral and non-polar, with cysteine, which is neutral and slightly polar, at codon 1195 of the COL1A1 protein (p.Gly1195Cys). This variant is not present in population databases (gnomAD no frequency). This missense change has been observed in individual(s) with osteogenesis imperfecta (PMID: 3244312). This variant is also known as Gly1017Cys. Advanced modeling of protein sequence and biophysical properties (such as structural, functional, and spatial information, amino acid conservation, physicochemical variation, residue mobility, and thermodynamic stability) has been performed at Invitae for this missense variant, however the output from this modeling did not meet the statistical confidence thresholds required to predict the impact of this variant on COL1A1 protein function. In summary, the available evidence is currently insufficient to determine the role of this variant in disease. Therefore, it has been classified as a Variant of Uncertain Significance.

OMIM
Classification: Pathogenic for OSTEOGENESIS IMPERFECTA. Last evaluated: 1997-10-03. Review status: no assertion criteria provided. Collection method: literature only. Allele origin: germline. Not counted in ClinVar's aggregate classification.

Literature cited by the submitters: PubMed 3244312 (cited by Labcorp Genetics (formerly Invitae), Labcorp and OMIM); PubMed 3170557 (cited by OMIM); PubMed 6469997 (cited by OMIM); PubMed 9295084 (cited by OMIM).

NM_000088.4(COL1A1):c.3583G>T (p.Gly1195Cys)

Gene: COL1A1 (collagen type I alpha 1 chain; minus strand). Cytogenetic location: 17q21.33.
Variant type: single nucleotide variant.
Coding change: c.3583G>T on transcript NM_000088.4 (MANE Select); coding-DNA position 3583, G replaced by T.
Protein change: p.Gly1195Cys; replaces glycine 1195 with cysteine.
Molecular consequence: missense variant.
Genome position (GRCh38, 1-based): chr17:50,186,871, C>A on the plus strand (G>T on the coding strand, the complement: COL1A1 is on the minus strand). VCF-style: chr17-50186871-C-A. GRCh37 (hg19) VCF-style: chr17-48264232-C-A.
Other names: G1017C; short protein forms G1195C.
Identifiers: ClinVar variation 17304 (VCV000017304.3), dbSNP rs72656334.